The following is an entry in ClinVar:

NM_022915.5(MRPL44):c.723G>C (p.Leu241Phe)

Gene: MRPL44 (mitochondrial ribosomal protein L44; plus strand). Cytogenetic location: 2q36.1.
Variant type: single nucleotide variant.
Coding change: c.723G>C on transcript NM_022915.5 (MANE Select); coding-DNA position 723, G replaced by C.
Protein change: p.Leu241Phe; replaces leucine 241 with phenylalanine.
Molecular consequence: missense variant.
Genome position (GRCh38, 1-based): chr2:223,963,830, G>C. VCF-style: chr2-223963830-G-C. GRCh37 (hg19) VCF-style: chr2-224828547-G-C.
Other names: short protein forms L241F.
Identifiers: ClinVar variation 1489860 (VCV001489860.4), dbSNP rs144334794, ClinGen allele CA324777.
Genomic context (GRCh38, chr2:223,963,830, plus strand): 5'-TCAAATGACTGGAAAAGAGCTCTTTGAGATGTGGAAGATAATAAATCCCATGGGGCTATT[G>C]GTAGAAGAACTGAAGAAAAGGAATGTTTCAGCTCCTGAATCAAGACTTACTAGGCAGTCT-3'
Protein context (NP_075066.1, residues 231-251): MWKIINPMGL[Leu241Phe]VEELKKRNVS

ClinVar aggregate classification (germline): Uncertain significance (1 of 4 stars; one submission).

Allele frequency attached by ClinVar (database versions not stated): TOPMed 0.00004; gnomAD 0.00006 and 0.00007; 1000 Genomes Project 0.00020; 1000 Genomes Project 30x 0.00031.

Submission:

Labcorp Genetics (formerly Invitae), Labcorp
Classification: Uncertain significance. Last evaluated: 2024-10-29. Review status: criteria provided, single submitter. Criteria: Invitae Variant Classification Sherloc (09022015). Collection method: clinical testing. Allele origin: germline.
Comment: This sequence change replaces leucine, which is neutral and non-polar, with phenylalanine, which is neutral and non-polar, at codon 241 of the MRPL44 protein (p.Leu241Phe). This variant is present in population databases (rs144334794, gnomAD 0.008%). This variant has not been reported in the literature in individuals affected with MRPL44-related conditions. ClinVar contains an entry for this variant (Variation ID: 1489860). Invitae Evidence Modeling of protein sequence and biophysical properties (such as structural, functional, and spatial information, amino acid conservation, physicochemical variation, residue mobility, and thermodynamic stability) indicates that this missense variant is expected to disrupt MRPL44 protein function with a positive predictive value of 80%. In summary, the available evidence is currently insufficient to determine the role of this variant in disease. Therefore, it has been classified as a Variant of Uncertain Significance.